The following is an entry in ClinVar:

ClinVar aggregate classification (germline): Likely benign (1 of 4 stars; one submission).

Allele frequency attached by ClinVar (database versions not stated): gnomAD exomes below 0.00001; ExAC 0.00001.
gnomAD v4.1: 1 of 1,608,840 alleles (0.000062%); no homozygotes.

Submissions (2):

GeneDx
Classification: Likely benign. Last evaluated: 2017-03-02. Review status: criteria provided, single submitter. Criteria: GeneDx Variant Classification (06012015). Collection method: clinical testing. Allele origin: germline. Affected: yes.
Comment: This variant is considered likely benign or benign based on one or more of the following criteria: it is a conservative change, it occurs at a poorly conserved position in the protein, it is predicted to be benign by multiple in silico algorithms, and/or has population frequency not consistent with disease.

Dr. Peter K. Rogan Lab, Western University
No classification provided (evidence only). Condition: Clear cell carcinoma of kidney. Review status: no classification provided. Collection method: in vitro. Allele origin: not applicable. Functional consequence: retained intron. Not counted in ClinVar's aggregate classification.

NM_001267550.2(TTN):c.94829-3C>T

Genes: TTN (titin; minus strand), TTN-AS1 (TTN antisense RNA 1; plus strand). Cytogenetic location: 2q31.2.
Variant type: single nucleotide variant.
Coding change: c.94829-3C>T on transcript NM_001267550.2 (MANE Select); 3 bases into the intron before coding-DNA position 94829, C replaced by T.
Molecular consequence: intron variant.
Genome position (GRCh38, 1-based): chr2:178,546,505, G>A on the plus strand (C>T on the coding strand, the complement: TTN is on the minus strand). VCF-style: chr2-178546505-G-A. GRCh37 (hg19) VCF-style: chr2-179411232-G-A.
Other names: NC_000002.11:g.179411232G>A; c.67634-3C>T (NM_003319.4); c.68210-3C>T (NM_133437.4); c.68009-3C>T (NM_133432.3); c.87125-3C>T (NM_133378.4); c.89906-3C>T (NM_001256850.1).
Identifiers: ClinVar variation 516835 (VCV000516835.2), dbSNP rs762081355, ClinGen allele CA1987059.